The following is an entry in ClinVar:

NM_012418.4(FSCN2):c.211G>A (p.Ala71Thr)

Gene: FSCN2 (fascin actin-bundling protein 2, retinal; plus strand). Cytogenetic location: 17q25.3.
Variant type: single nucleotide variant.
Coding change: c.211G>A on transcript NM_012418.4 (MANE Select); coding-DNA position 211, G replaced by A.
Protein change: p.Ala71Thr; replaces alanine 71 with threonine.
Molecular consequence: missense variant.
Genome position (GRCh38, 1-based): chr17:81,528,742, G>A. VCF-style: chr17-81528742-G-A. GRCh37 (hg19) VCF-style: chr17-79495768-G-A.
Other names: c.211G>A, p.Ala71Thr (NM_001077182.3); short protein forms A71T.
Identifiers: ClinVar variation 954498 (VCV000954498.8), dbSNP rs782079107, ClinGen allele CA8836613.

ClinVar aggregate classification (germline): Uncertain significance. Review status: criteria provided, multiple submitters, no conflicts (2 of 4 stars). 2 submissions from 2 submitters: Uncertain significance (2). Last evaluated 2025-08-25.

Allele frequency attached by ClinVar (database versions not stated): gnomAD exomes 0.00001 and 0.00007; gnomAD 0.00002; TOPMed 0.00003; ExAC 0.00005.
gnomAD v4.1: 109 of 1,592,668 alleles (0.0068%); highest among the groups gnomAD compares: Non-Finnish European, 0.0086%; no homozygotes.

Submissions (2):

Ambry Genetics
Classification: Uncertain significance. Last evaluated: 2025-08-25. Review status: criteria provided, single submitter. Criteria: Ambry Variant Classification Scheme 2023. Collection method: clinical testing. Allele origin: germline.

Labcorp Genetics (formerly Invitae), Labcorp
Classification: Uncertain significance. Last evaluated: 2025-03-31. Review status: criteria provided, single submitter. Criteria: Invitae Variant Classification Sherloc (09022015). Collection method: clinical testing. Allele origin: germline.
Comment: This sequence change replaces alanine, which is neutral and non-polar, with threonine, which is neutral and polar, at codon 71 of the FSCN2 protein (p.Ala71Thr). The frequency data for this variant in the population databases is considered unreliable, as metrics indicate poor data quality at this position in the gnomAD database. This variant has not been reported in the literature in individuals affected with FSCN2-related conditions. ClinVar contains an entry for this variant (Variation ID: 954498). An algorithm developed to predict the effect of missense changes on protein structure and function outputs the following: PolyPhen-2: "Benign". The threonine amino acid residue is found in multiple mammalian species, which suggests that this missense change does not adversely affect protein function. In summary, the available evidence is currently insufficient to determine the role of this variant in disease. Therefore, it has been classified as a Variant of Uncertain Significance.